The following is an entry in ClinVar:

ClinVar aggregate classification (germline): Uncertain significance (1 of 4 stars; one submission).

Conditions:
Capillary malformation-arteriovenous malformation syndrome. Also called: Capillary malformation-arteriovenous malformation. Identifiers: Orphanet 137667, MedGen C1842180, MONDO:0012016.

Submission:

Labcorp Genetics (formerly Invitae), Labcorp
Classification: Uncertain significance for Capillary malformation-arteriovenous malformation syndrome. Last evaluated: 2022-07-02. Review status: criteria provided, single submitter. Criteria: Invitae Variant Classification Sherloc (09022015). Collection method: clinical testing. Allele origin: germline.
Comment: In summary, the available evidence is currently insufficient to determine the role of this variant in disease. Therefore, it has been classified as a Variant of Uncertain Significance. Algorithms developed to predict the effect of missense changes on protein structure and function (SIFT, PolyPhen-2, Align-GVGD) all suggest that this variant is likely to be tolerated. This variant has not been reported in the literature in individuals affected with RASA1-related conditions. This variant is not present in population databases (gnomAD no frequency). This sequence change replaces histidine, which is basic and polar, with leucine, which is neutral and non-polar, at codon 986 of the RASA1 protein (p.His986Leu).

NM_002890.3(RASA1):c.2957A>T (p.His986Leu)

Genes: CCNH (cyclin H; minus strand), RASA1 (RAS p21 protein activator 1; plus strand). Cytogenetic location: 5q14.3.
Variant type: single nucleotide variant.
Coding change: c.2957A>T on transcript NM_002890.3 (MANE Select); coding-DNA position 2957, A replaced by T.
Protein change: p.His986Leu; replaces histidine 986 with leucine.
Molecular consequence: missense variant. On other transcripts: intron variant (1).
Genome position (GRCh38, 1-based): chr5:87,389,424, A>T. VCF-style: chr5-87389424-A-T. GRCh37 (hg19) VCF-style: chr5-86685241-A-T.
Other names: c.2426A>T, p.His809Leu (NM_022650.3); c.933+5620T>A (NM_001364075.2); short protein forms H809L, H986L.
Identifiers: ClinVar variation 2013157 (VCV002013157.4), dbSNP rs2531395983, ClinGen allele CA360388060.